The following is an entry in ClinVar:

ClinVar aggregate classification (germline): Uncertain significance (1 of 4 stars; one submission).

Conditions:
Hereditary cancer-predisposing syndrome. Also called: Tumor predisposition; Neoplastic Syndromes, Hereditary; Hereditary Cancer Syndrome; Hereditary neoplastic syndrome. Identifiers: Orphanet 140162, MedGen C0027672, MeSH D009386, MONDO:0015356.

Submission:

Ambry Genetics
Classification: Uncertain significance for Hereditary cancer-predisposing syndrome. Last evaluated: 2024-11-05. Review status: criteria provided, single submitter. Criteria: Ambry Variant Classification Scheme 2023. Collection method: clinical testing. Allele origin: germline.
Comment: The p.K188Q variant (also known as c.562A>C), located in coding exon 2 of the BLM gene, results from an A to C substitution at nucleotide position 562. The lysine at codon 188 is replaced by glutamine, an amino acid with similar properties. This amino acid position is conserved. In addition, this alteration is predicted to be tolerated by in silico analysis. Based on the available evidence, the clinical significance of this variant remains unclear.

NM_000057.4(BLM):c.562A>C (p.Lys188Gln)

Gene: BLM (BLM RecQ like helicase; plus strand). Cytogenetic location: 15q26.1.
Variant type: single nucleotide variant.
Coding change: c.562A>C on transcript NM_000057.4 (MANE Select); coding-DNA position 562, A replaced by C.
Protein change: p.Lys188Gln; replaces lysine 188 with glutamine.
Molecular consequence: missense variant. On other transcripts: 5 prime UTR variant (1).
Genome position (GRCh38, 1-based): chr15:90,749,830, A>C. VCF-style: chr15-90749830-A-C. GRCh37 (hg19) VCF-style: chr15-91293060-A-C.
Other names: c.562A>C, p.Lys188Gln (NM_001287246.2, NM_001287247.2); c.-730A>C (NM_001287248.2); short protein forms K188Q.
Identifiers: ClinVar variation 3480897 (VCV003480897.1).